The following is an entry in ClinVar:

NM_004958.4(MTOR):c.2314A>G (p.Met772Val)

Gene: MTOR (mechanistic target of rapamycin kinase; minus strand). Cytogenetic location: 1p36.22.
Variant type: single nucleotide variant.
Coding change: c.2314A>G on transcript NM_004958.4 (MANE Select); coding-DNA position 2314, A replaced by G.
Protein change: p.Met772Val; replaces methionine 772 with valine.
Molecular consequence: missense variant.
Genome position (GRCh38, 1-based): chr1:11,234,160, T>C on the plus strand (A>G on the coding strand, the complement: MTOR is on the minus strand). VCF-style: chr1-11234160-T-C. GRCh37 (hg19) VCF-style: chr1-11294217-T-C.
Other names: c.2314A>G, p.Met772Val (NM_001386500.1); c.1066A>G, p.Met356Val (NM_001386501.1); short protein forms M772V, M356V.
Identifiers: ClinVar variation 1040349 (VCV001040349.30), dbSNP rs1377200831, ClinGen allele CA338384577.

ClinVar aggregate classification (germline): Conflicting classifications of pathogenicity. Review status: criteria provided, conflicting classifications (1 of 4 stars). 2 submissions from 2 submitters: Uncertain significance (1); Benign (1). Last evaluated 2025-09-08.

Allele frequency attached by ClinVar (database versions not stated): gnomAD exomes below 0.00001.
gnomAD v4.1: 1 of 1,614,090 alleles (0.000062%); highest among the groups gnomAD compares: Non-Finnish European, 0.000085%; no homozygotes.

Submissions (2):

Labcorp Genetics (formerly Invitae), Labcorp
Classification: Benign. Last evaluated: 2025-09-08. Review status: criteria provided, single submitter. Criteria: Invitae Variant Classification Sherloc (09022015). Collection method: clinical testing. Allele origin: germline.

CeGaT Center for Human Genetics Tuebingen
Classification: Uncertain significance. Last evaluated: 2024-02-01. Review status: criteria provided, single submitter. Criteria: CeGaT Center For Human Genetics Tuebingen Variant Classification Criteria Version 2. Collection method: clinical testing. Allele origin: germline. Affected: yes. Observed: 1 variant allele.
Comment: MTOR: PM2